The following is an entry in ClinVar:

ClinVar aggregate classification (germline): Uncertain significance (1 of 4 stars; one submission).

Conditions:
Charcot-Marie-Tooth disease type 2. Also called: Charcot-Marie-Tooth type 2. Identifiers: Orphanet 64746, MedGen C0270914, MONDO:0018993.

gnomAD v4.1: 45 of 1,614,084 alleles (0.0028%); highest among the groups gnomAD compares: South Asian, 0.045%; no homozygotes.

Submission:

Labcorp Genetics (formerly Invitae), Labcorp
Classification: Uncertain significance for Charcot-Marie-Tooth disease type 2. Last evaluated: 2023-11-01. Review status: criteria provided, single submitter. Criteria: Invitae Variant Classification Sherloc (09022015). Collection method: clinical testing. Allele origin: germline.
Comment: This sequence change replaces arginine, which is basic and polar, with leucine, which is neutral and non-polar, at codon 25 of the BSCL2 protein (p.Arg25Leu). This variant is present in population databases (rs780387759, gnomAD 0.07%). This missense change has been observed in individual(s) with clinical features of Charcot-Marie-Tooth disease (Invitae). ClinVar contains an entry for this variant (Variation ID: 1359773). Advanced modeling of protein sequence and biophysical properties (such as structural, functional, and spatial information, amino acid conservation, physicochemical variation, residue mobility, and thermodynamic stability) performed at Invitae indicates that this missense variant is expected to disrupt BSCL2 protein function with a positive predictive value of 80%. This variant disrupts the p.Arg25 amino acid residue in BSCL2. Other variant(s) that disrupt this residue have been observed in individuals with BSCL2-related conditions (Invitae), which suggests that this may be a clinically significant amino acid residue. In summary, the available evidence is currently insufficient to determine the role of this variant in disease. Therefore, it has been classified as a Variant of Uncertain Significance.

NM_001122955.4(BSCL2):c.266G>T (p.Arg89Leu)

Genes: BSCL2 (BSCL2 lipid droplet biogenesis associated, seipin; minus strand), HNRNPUL2-BSCL2 (HNRNPUL2-BSCL2 readthrough (NMD candidate); minus strand). Cytogenetic location: 11q12.3.
Variant type: single nucleotide variant.
Coding change: c.266G>T on transcript NM_001122955.4 (MANE Select); coding-DNA position 266, G replaced by T.
Protein change: p.Arg89Leu; replaces arginine 89 with leucine.
Molecular consequence: missense variant. On other transcripts: non-coding transcript variant (1).
Genome position (GRCh38, 1-based): chr11:62,705,439, C>A on the plus strand (G>T on the coding strand, the complement: BSCL2 is on the minus strand). VCF-style: chr11-62705439-C-A. GRCh37 (hg19) VCF-style: chr11-62472911-C-A.
Other names: c.74G>T, p.Arg25Leu (NM_001130702.2, NM_032667.6); c.266G>T, p.Arg89Leu (NM_001386027.1, NM_001386028.1); short protein forms R25L, R89L.
Identifiers: ClinVar variation 1359773 (VCV001359773.8), dbSNP rs780387759, ClinGen allele CA6053628.